The following is an entry in ClinVar:

NM_007078.3(LDB3):c.159C>T (p.Asp53=)

Gene: LDB3 (LIM domain binding 3; plus strand). Cytogenetic location: 10q23.2.
Variant type: single nucleotide variant.
Coding change: c.159C>T on transcript NM_007078.3 (MANE Select); coding-DNA position 159, C replaced by T.
Protein change: p.Asp53=; no amino-acid change (aspartic acid 53 retained).
Molecular consequence: synonymous variant.
Genome position (GRCh38, 1-based): chr10:86,679,432, C>T. VCF-style: chr10-86679432-C-T. GRCh37 (hg19) VCF-style: chr10-88439189-C-T.
Other names: c.159C>T, p.Asp53= (NM_001080114.2, NM_001080115.2, NM_001080116.1 and 8 more transcripts).
Identifiers: ClinVar variation 179018 (VCV000179018.19), dbSNP rs200114285, ClinGen allele CA183515.

ClinVar aggregate classification (germline): Benign/Likely benign. Review status: criteria provided, multiple submitters, no conflicts (2 of 4 stars). 4 submissions from 4 submitters: Benign (1); Likely benign (3). Last evaluated 2024-10-18.

Conditions:
Cardiovascular phenotype. Identifiers: MedGen CN230736.
Myofibrillar myopathy 4. Also called: Zaspopathy (type). Identifiers: Orphanet 98912, MedGen C4721886, MONDO:0012277, OMIM 609452.

Allele frequency attached by ClinVar (database versions not stated): TOPMed 0.00002; ExAC 0.00009; gnomAD exomes 0.00010 and 0.00017; gnomAD 0.00015 and 0.00016; 1000 Genomes Project 30x 0.00016; 1000 Genomes Project 0.00020.
gnomAD v4.1: 160 of 1,614,138 alleles (0.0099%); highest among the groups gnomAD compares: Admixed American, 0.0033%; no homozygotes.

Submissions (4):

Blueprint Genetics
Classification: Likely benign. Last evaluated: 2024-10-18. Review status: criteria provided, single submitter. Criteria: ACMG Guidelines, 2015. Collection method: clinical testing. Allele origin: germline.

Labcorp Genetics (formerly Invitae), Labcorp
Classification: Benign for Myofibrillar myopathy 4. Last evaluated: 2023-11-24. Review status: criteria provided, single submitter. Criteria: Invitae Variant Classification Sherloc (09022015). Collection method: clinical testing. Allele origin: germline.

Ambry Genetics
Classification: Likely benign for Cardiovascular phenotype. Last evaluated: 2018-03-06. Review status: criteria provided, single submitter. Criteria: Ambry Variant Classification Scheme 2023. Collection method: clinical testing. Allele origin: germline.

Laboratory for Molecular Medicine, Mass General Brigham Personalized Medicine
Classification: Likely benign. Last evaluated: 2014-02-20. Review status: criteria provided, single submitter. Criteria: LMM Criteria. Collection method: clinical testing. Allele origin: germline. Observed: 2 variant alleles.
Comment: p.Asp53Asp in exon 2 of LDB3: This variant is not expected to have clinical sign ificance because it does not alter an amino acid residue and is not located with in the splice consensus sequence. It has been identified in 0.5% (1/194) of Han Chinese chromosomes from a broad population by the 1000 Genomes Project (dbSNP rs200114285).